The following is an entry in ClinVar:

ClinVar aggregate classification (germline): Uncertain significance. Review status: criteria provided, multiple submitters, no conflicts (2 of 4 stars). 2 submissions from 2 submitters: Uncertain significance (2). Last evaluated 2025-10-30.

Conditions:
Inborn genetic diseases. Identifiers: MedGen C0950123, MeSH D030342.

gnomAD v4.1: 17 of 1,612,280 alleles (0.0011%); highest among the groups gnomAD compares: Non-Finnish European, 0.0014%; no homozygotes.

Submissions (2):

Ambry Genetics
Classification: Uncertain significance for Inborn genetic diseases. Last evaluated: 2025-10-30. Review status: criteria provided, single submitter. Criteria: Ambry Variant Classification Scheme 2023. Collection method: clinical testing. Allele origin: germline.

Labcorp Genetics (formerly Invitae), Labcorp
Classification: Uncertain significance. Last evaluated: 2024-11-27. Review status: criteria provided, single submitter. Criteria: Invitae Variant Classification Sherloc (09022015). Collection method: clinical testing. Allele origin: germline.
Comment: This sequence change replaces threonine, which is neutral and polar, with arginine, which is basic and polar, at codon 1528 of the POLR1A protein (p.Thr1528Arg). This variant is present in population databases (rs201458296, gnomAD 0.003%). This variant has not been reported in the literature in individuals affected with POLR1A-related conditions. Invitae Evidence Modeling of protein sequence and biophysical properties (such as structural, functional, and spatial information, amino acid conservation, physicochemical variation, residue mobility, and thermodynamic stability) indicates that this missense variant is not expected to disrupt POLR1A protein function with a negative predictive value of 80%. In summary, the available evidence is currently insufficient to determine the role of this variant in disease. Therefore, it has been classified as a Variant of Uncertain Significance.

NM_015425.6(POLR1A):c.4583C>G (p.Thr1528Arg)

Gene: POLR1A (RNA polymerase I subunit A; minus strand). Cytogenetic location: 2p11.2.
Variant type: single nucleotide variant.
Coding change: c.4583C>G on transcript NM_015425.6 (MANE Select); coding-DNA position 4583, C replaced by G.
Protein change: p.Thr1528Arg; replaces threonine 1528 with arginine.
Molecular consequence: missense variant.
Genome position (GRCh38, 1-based): chr2:86,030,392, G>C on the plus strand (C>G on the coding strand, the complement: POLR1A is on the minus strand). VCF-style: chr2-86030392-G-C. GRCh37 (hg19) VCF-style: chr2-86257515-G-C.
Other names: c.4583C>G (NM_015425.3); short protein forms T1528R.
Identifiers: ClinVar variation 3714109 (VCV003714109.3).